The following is an entry in ClinVar:

ClinVar aggregate classification (germline): Uncertain significance. Review status: criteria provided, multiple submitters, no conflicts (2 of 4 stars). 4 submissions from 4 submitters: Uncertain significance (3). 1 of the submissions does not count toward it. Last evaluated 2025-11-02.

Conditions:
GNPTG-mucolipidosis. Also called: Mucolipidosis type III gamma; MUCOLIPIDOSIS III, COMPLEMENTATION GROUP C; MUCOLIPIDOSIS III, IRANIAN VARIANT FORM; MUCOLIPIDOSIS III, VARIANT FORM; ML III GAMMA; ML IIIC. Identifiers: Orphanet 423470, Orphanet 577, MedGen C1854896, MONDO:0009652, OMIM 252605.
Inborn genetic diseases. Identifiers: MedGen C0950123, MeSH D030342.

Allele frequency attached by ClinVar (database versions not stated): gnomAD 0.00002; gnomAD exomes 0.00002; TOPMed 0.00003; ExAC 0.00006.
gnomAD v4.1: 27 of 1,613,662 alleles (0.0017%); highest among the groups gnomAD compares: Non-Finnish European, 0.0021%; no homozygotes.

Submissions (5):

Ambry Genetics
Classification: Uncertain significance for Inborn genetic diseases. Last evaluated: 2025-11-02. Review status: criteria provided, single submitter. Criteria: Ambry Variant Classification Scheme 2023. Collection method: clinical testing. Allele origin: germline.

Blueprint Genetics
Classification: Uncertain significance. Last evaluated: 2023-05-17. Review status: criteria provided, single submitter. Criteria: ACMG Guidelines, 2015. Collection method: clinical testing. Allele origin: germline.

Labcorp Genetics (formerly Invitae), Labcorp
Classification: Uncertain significance. Last evaluated: 2022-11-01. Review status: criteria provided, single submitter. Criteria: Invitae Variant Classification Sherloc (09022015). Collection method: clinical testing. Allele origin: germline.
Comment: This sequence change replaces asparagine, which is neutral and polar, with serine, which is neutral and polar, at codon 88 of the GNPTG protein (p.Asn88Ser). This variant is present in population databases (rs775604993, gnomAD 0.007%). This variant has not been reported in the literature in individuals affected with GNPTG-related conditions. ClinVar contains an entry for this variant (Variation ID: 1041136). Advanced modeling of protein sequence and biophysical properties (such as structural, functional, and spatial information, amino acid conservation, physicochemical variation, residue mobility, and thermodynamic stability) performed at Invitae indicates that this missense variant is expected to disrupt GNPTG protein function. Algorithms developed to predict the effect of sequence changes on RNA splicing suggest that this variant may create or strengthen a splice site. In summary, the available evidence is currently insufficient to determine the role of this variant in disease. Therefore, it has been classified as a Variant of Uncertain Significance.

Natera, Inc.
Classification: Uncertain significance for Mucolipidosis III gamma. Last evaluated: 2020-07-05. Review status: no assertion criteria provided. Collection method: clinical testing. Allele origin: germline. Not counted in ClinVar's aggregate classification.

Dr. Peter K. Rogan Lab, Western University
No classification provided (evidence only). Condition: Thyroid cancer, nonmedullary, 1. Review status: no classification provided. Collection method: in vitro. Allele origin: not applicable. Functional consequence: retained intron. Not counted in ClinVar's aggregate classification.

NM_032520.5(GNPTG):c.263A>G (p.Asn88Ser)

Gene: GNPTG (N-acetylglucosamine-1-phosphate transferase subunit gamma; plus strand). Cytogenetic location: 16p13.3.
Variant type: single nucleotide variant.
Coding change: c.263A>G on transcript NM_032520.5 (MANE Select); coding-DNA position 263, A replaced by G.
Protein change: p.Asn88Ser; replaces asparagine 88 with serine.
Molecular consequence: missense variant.
Genome position (GRCh38, 1-based): chr16:1,361,901, A>G. VCF-style: chr16-1361901-A-G. GRCh37 (hg19) VCF-style: chr16-1411902-A-G.
Other names: c.263A>G (NM_032520.4); short protein forms N88S.
Identifiers: ClinVar variation 1041136 (VCV001041136.6), dbSNP rs775604993, ClinGen allele CA7807574.